The following is an entry in ClinVar:

ClinVar aggregate classification (germline): Uncertain significance. Review status: criteria provided, multiple submitters, no conflicts (2 of 4 stars). 3 submissions from 3 submitters: Uncertain significance (3). Last evaluated 2025-06-29.

Conditions:
Lymphangiomyomatosis (LAM). Also called: Lymphangioleiomyomatosis; Lymphangioleiomyomatosis, somatic. Identifiers: Orphanet 538, MedGen C0751674, MONDO:0011705, OMIM 606690.
Isolated focal cortical dysplasia type II (FCORD2). Also called: Focal cortical dysplasia type II; CORTICAL DYSPLASIA OF TAYLOR. Identifiers: Orphanet 268994, MedGen C1846385, MONDO:0011818, OMIM 607341, HP:0032051.
Tuberous sclerosis 1 (TSC1). Identifiers: Orphanet 805, MedGen C1854465, MONDO:0008612, OMIM 191100.
Hereditary cancer-predisposing syndrome. Also called: Hereditary Cancer Syndrome; Hereditary neoplastic syndrome; Neoplastic Syndromes, Hereditary; Tumor predisposition. Identifiers: Orphanet 140162, MedGen C0027672, MeSH D009386, MONDO:0015356.

Submissions (3):

Ambry Genetics
Classification: Uncertain significance for Hereditary cancer-predisposing syndrome. Last evaluated: 2025-06-29. Review status: criteria provided, single submitter. Criteria: Ambry Variant Classification Scheme 2023. Collection method: clinical testing. Allele origin: germline.
Comment: The p.S1080L variant (also known as c.3239C>T), located in coding exon 21 of the TSC1 gene, results from a C to T substitution at nucleotide position 3239. The serine at codon 1080 is replaced by leucine, an amino acid with dissimilar properties. This amino acid position is conserved. In addition, this alteration is predicted to be deleterious by in silico analysis. Based on the available evidence, the clinical significance of this variant remains unclear.

Fulgent Genetics
Classification: Uncertain significance for Tuberous sclerosis 1; Lymphangiomyomatosis; Isolated focal cortical dysplasia type II. Last evaluated: 2024-01-17. Review status: criteria provided, single submitter. Criteria: ACMG Guidelines, 2015. Collection method: clinical testing. Allele origin: germline.

Labcorp Genetics (formerly Invitae), Labcorp
Classification: Uncertain significance for Tuberous sclerosis 1. Last evaluated: 2023-04-20. Review status: criteria provided, single submitter. Criteria: Invitae Variant Classification Sherloc (09022015). Collection method: clinical testing. Allele origin: germline.
Comment: This variant is not present in population databases (gnomAD no frequency). In summary, the available evidence is currently insufficient to determine the role of this variant in disease. Therefore, it has been classified as a Variant of Uncertain Significance. Advanced modeling of protein sequence and biophysical properties (such as structural, functional, and spatial information, amino acid conservation, physicochemical variation, residue mobility, and thermodynamic stability) performed at Invitae indicates that this missense variant is not expected to disrupt TSC1 protein function. This variant has not been reported in the literature in individuals affected with TSC1-related conditions. This sequence change replaces serine, which is neutral and polar, with leucine, which is neutral and non-polar, at codon 1080 of the TSC1 protein (p.Ser1080Leu).

NM_000368.5(TSC1):c.3239C>T (p.Ser1080Leu)

Gene: TSC1 (TSC complex subunit 1; minus strand). Cytogenetic location: 9q34.13.
Variant type: single nucleotide variant.
Coding change: c.3239C>T on transcript NM_000368.5 (MANE Select); coding-DNA position 3239, C replaced by T.
Protein change: p.Ser1080Leu; replaces serine 1080 with leucine.
Molecular consequence: missense variant. On other transcripts: non-coding transcript variant (5).
Genome position (GRCh38, 1-based): chr9:132,896,491, G>A on the plus strand (C>T on the coding strand, the complement: TSC1 is on the minus strand). VCF-style: chr9-132896491-G-A. GRCh37 (hg19) VCF-style: chr9-135771878-G-A.
Other names: c.3236C>T, p.Ser1079Leu (NM_001162426.2, NM_001406597.1, NM_001406598.1 and 2 more transcripts); c.3086C>T, p.Ser1029Leu (NM_001162427.2, NM_001406610.1); c.2876C>T, p.Ser959Leu (NM_001362177.2, NM_001406614.1, NM_001406615.1 and 4 more transcripts); c.3239C>T, p.Ser1080Leu (NM_001406592.1, NM_001406593.1, NM_001406594.1 and 2 more transcripts); c.3224C>T, p.Ser1075Leu (NM_001406601.1, NM_001406602.1); c.3221C>T, p.Ser1074Leu (NM_001406603.1, NM_001406604.1); c.3197C>T, p.Ser1066Leu (NM_001406605.1, NM_001406606.1, NM_001406607.1); c.3194C>T, p.Ser1065Leu (NM_001406608.1, NM_001406609.1); and 8 more; short protein forms S1028L, S1066L, S1080L, S958L, S1074L, S944L, S945L, S959L.
Identifiers: ClinVar variation 2857845 (VCV002857845.5), dbSNP rs2131599531, ClinGen allele CA375366896.